The following is an entry in ClinVar:

NM_006129.5(BMP1):c.1825A>C (p.Lys609Gln)

Gene: BMP1 (bone morphogenetic protein 1; plus strand). Cytogenetic location: 8p21.3.
Variant type: single nucleotide variant.
Coding change: c.1825A>C on transcript NM_006129.5 (MANE Select); coding-DNA position 1825, A replaced by C.
Protein change: p.Lys609Gln; replaces lysine 609 with glutamine.
Molecular consequence: missense variant. On other transcripts: non-coding transcript variant (2).
Genome position (GRCh38, 1-based): chr8:22,196,739, A>C. VCF-style: chr8-22196739-A-C. GRCh37 (hg19) VCF-style: chr8-22054252-A-C.
Other names: c.1825A>C, p.Lys609Gln (NM_001199.4); short protein forms K609Q.
Identifiers: ClinVar variation 2375031 (VCV002375031.5), dbSNP rs757803172, ClinGen allele CA4664863.

ClinVar aggregate classification (germline): Uncertain significance. Review status: criteria provided, multiple submitters, no conflicts (2 of 4 stars). 2 submissions from 2 submitters: Uncertain significance (2). Last evaluated 2025-10-18.

Conditions:
Inborn genetic diseases. Identifiers: MedGen C0950123, MeSH D030342.

Allele frequency attached by ClinVar (database versions not stated): gnomAD exomes 0.00001; TOPMed 0.00008; ExAC 0.00001; gnomAD 0.00006.
gnomAD v4.1: 25 of 1,612,982 alleles (0.0015%); highest among the groups gnomAD compares: African/African-American, 0.004%; no homozygotes.

Submissions (2):

Ambry Genetics
Classification: Uncertain significance for Inborn genetic diseases. Last evaluated: 2025-10-18. Review status: criteria provided, single submitter. Criteria: Ambry Variant Classification Scheme 2023. Collection method: clinical testing. Allele origin: germline.

GeneDx
Classification: Uncertain significance. Last evaluated: 2025-09-19. Review status: criteria provided, single submitter. Criteria: GeneDx Variant Classification Process June 2021. Collection method: clinical testing. Allele origin: germline. Affected: yes.
Comment: In silico analysis suggests that this missense variant does not alter protein structure/function; Has not been previously published as pathogenic or benign to our knowledge